The following is an entry in ClinVar:

ClinVar aggregate classification (germline): Uncertain significance (1 of 4 stars; one submission).

Conditions:
Aicardi-Goutieres syndrome 4. Identifiers: Orphanet 51, MedGen C1835912, MONDO:0012472, OMIM 610333.

Allele frequency attached by ClinVar (database versions not stated): ExAC 0.00002; gnomAD exomes 0.00003.
gnomAD v4.1: 9 of 1,613,962 alleles (0.00056%); highest among the groups gnomAD compares: Admixed American, 0.012%; no homozygotes.

Submission:

Labcorp Genetics (formerly Invitae), Labcorp
Classification: Uncertain significance for Aicardi-Goutieres syndrome 4. Last evaluated: 2025-11-10. Review status: criteria provided, single submitter. Criteria: Invitae Variant Classification Sherloc (09022015). Collection method: clinical testing. Allele origin: germline.
Comment: This sequence change replaces aspartic acid, which is acidic and polar, with glycine, which is neutral and non-polar, at codon 251 of the RNASEH2A protein (p.Asp251Gly). This variant is present in population databases (rs768983249, gnomAD 0.02%). This variant has not been reported in the literature in individuals affected with RNASEH2A-related conditions. ClinVar contains an entry for this variant (Variation ID: 1503783). An algorithm developed to predict the effect of missense changes on protein structure and function outputs the following: PolyPhen-2: "Benign". The glycine amino acid residue is found in multiple mammalian species, which suggests that this missense change does not adversely affect protein function. In summary, the available evidence is currently insufficient to determine the role of this variant in disease. Therefore, it has been classified as a Variant of Uncertain Significance.

NM_006397.3(RNASEH2A):c.752A>G (p.Asp251Gly)

Gene: RNASEH2A (ribonuclease H2 subunit A; plus strand). Cytogenetic location: 19p13.13.
Variant type: single nucleotide variant.
Coding change: c.752A>G on transcript NM_006397.3 (MANE Select); coding-DNA position 752, A replaced by G.
Protein change: p.Asp251Gly; replaces aspartic acid 251 with glycine.
Molecular consequence: missense variant.
Genome position (GRCh38, 1-based): chr19:12,813,197, A>G. VCF-style: chr19-12813197-A-G. GRCh37 (hg19) VCF-style: chr19-12924011-A-G.
Other names: short protein forms D251G.
Identifiers: ClinVar variation 1503783 (VCV001503783.4), dbSNP rs768983249, ClinGen allele CA9232022.
Genomic context (GRCh38, chr19:12,813,197, plus strand): 5'-CCCAGTTTGTCCGGTTCAGCTGGCGCACGGCCCAGACCATCCTGGAGAAAGAGGCGGAAG[A>G]TGTTATATGGTGGGTGTCATGGATGTCCTGGGGGTGCTATAGGGAAGGAAGGAGGGAGGC-3'
Protein context (NP_006388.2, residues 241-261): AQTILEKEAE[Asp251Gly]VIWEDSASEN